The following is an entry in ClinVar:

NM_031935.3(HMCN1):c.8842A>G (p.Thr2948Ala)

Gene: HMCN1 (hemicentin 1; plus strand). Cytogenetic location: 1q31.1.
Variant type: single nucleotide variant.
Coding change: c.8842A>G on transcript NM_031935.3 (MANE Select); coding-DNA position 8842, A replaced by G.
Protein change: p.Thr2948Ala; replaces threonine 2948 with alanine.
Molecular consequence: missense variant.
Genome position (GRCh38, 1-based): chr1:186,082,919, A>G. VCF-style: chr1-186082919-A-G. GRCh37 (hg19) VCF-style: chr1-186052051-A-G.
Other names: c.8842A>G (NM_031935.2); short protein forms T2948A.
Identifiers: ClinVar variation 1909887 (VCV001909887.6), dbSNP rs1427893656, ClinGen allele CA343915992.

ClinVar aggregate classification (germline): Uncertain significance. Review status: criteria provided, multiple submitters, no conflicts (2 of 4 stars). 2 submissions from 2 submitters: Uncertain significance (2). Last evaluated 2024-09-03.

Allele frequency attached by ClinVar (database versions not stated): gnomAD exomes below 0.00001; gnomAD 0.00001; TOPMed 0.00001.
gnomAD v4.1: 4 of 1,596,290 alleles (0.00025%); highest among the groups gnomAD compares: Non-Finnish European, 0.00026%; no homozygotes.

Submissions (2):

Ambry Genetics
Classification: Uncertain significance. Last evaluated: 2024-09-03. Review status: criteria provided, single submitter. Criteria: Ambry Variant Classification Scheme 2023. Collection method: clinical testing. Allele origin: germline.

Labcorp Genetics (formerly Invitae), Labcorp
Classification: Uncertain significance. Last evaluated: 2022-03-04. Review status: criteria provided, single submitter. Criteria: Invitae Variant Classification Sherloc (09022015). Collection method: clinical testing. Allele origin: germline.
Comment: In summary, the available evidence is currently insufficient to determine the role of this variant in disease. Therefore, it has been classified as a Variant of Uncertain Significance. This sequence change replaces threonine, which is neutral and polar, with alanine, which is neutral and non-polar, at codon 2948 of the HMCN1 protein (p.Thr2948Ala). This variant is present in population databases (no rsID available, gnomAD 0.002%). This variant has not been reported in the literature in individuals affected with HMCN1-related conditions. Algorithms developed to predict the effect of missense changes on protein structure and function are either unavailable or do not agree on the potential impact of this missense change (SIFT: "Tolerated"; PolyPhen-2: "Probably Damaging"; Align-GVGD: "Class C0").